The following is an entry in ClinVar:

NM_006084.5(IRF9):c.458C>A (p.Thr153Lys)

Gene: IRF9 (interferon regulatory factor 9; plus strand). Cytogenetic location: 14q12.
Variant type: single nucleotide variant.
Coding change: c.458C>A on transcript NM_006084.5 (MANE Select); coding-DNA position 458, C replaced by A.
Protein change: p.Thr153Lys; replaces threonine 153 with lysine.
Molecular consequence: missense variant.
Genome position (GRCh38, 1-based): chr14:24,163,471, C>A. VCF-style: chr14-24163471-C-A. GRCh37 (hg19) VCF-style: chr14-24632680-C-A.
Other names: c.458C>A, p.Thr153Lys (NM_001385400.1, NM_001385401.1, NM_001385402.1); short protein forms T153K.
Identifiers: ClinVar variation 4699610 (VCV004699610.1).

ClinVar aggregate classification (germline): Uncertain significance (1 of 4 stars; one submission).

Submission:

Labcorp Genetics (formerly Invitae), Labcorp
Classification: Uncertain significance. Last evaluated: 2025-12-26. Review status: criteria provided, single submitter. Criteria: Invitae Variant Classification Sherloc (09022015). Collection method: clinical testing. Allele origin: germline.
Comment: This sequence change replaces threonine, which is neutral and polar, with lysine, which is basic and polar, at codon 153 of the IRF9 protein (p.Thr153Lys). This variant is not present in population databases (gnomAD no frequency). This variant has not been reported in the literature in individuals affected with IRF9-related conditions. An algorithm developed to predict the effect of missense changes on protein structure and function outputs the following: PolyPhen-2: "Benign". The lysine amino acid residue is found in multiple mammalian species, which suggests that this missense change does not adversely affect protein function. In summary, the available evidence is currently insufficient to determine the role of this variant in disease. Therefore, it has been classified as a Variant of Uncertain Significance.